The following is an entry in ClinVar:

ClinVar aggregate classification (germline): Uncertain significance (1 of 4 stars; one submission).

Conditions:
Niemann-Pick disease, type C1. Also called: NEUROVISCERAL STORAGE DISEASE WITH VERTICAL SUPRANUCLEAR OPHTHALMOPLEGIA; NIEMANN-PICK DISEASE WITH CHOLESTEROL ESTERIFICATION BLOCK; NIEMANN-PICK DISEASE WITHOUT SPHINGOMYELINASE DEFICIENCY; NIEMANN-PICK DISEASE, CHRONIC NEURONOPATHIC FORM; NIEMANN-PICK DISEASE, VARIANT TYPE C1. Identifiers: Orphanet 646, MedGen C3179455, MONDO:0009757, OMIM 257220.

Allele frequency attached by ClinVar (database versions not stated): gnomAD exomes below 0.00001; gnomAD 0.00001; TOPMed 0.00001.
gnomAD v4.1: 4 of 1,614,088 alleles (0.00025%); highest among the groups gnomAD compares: Middle Eastern, 0.016%; no homozygotes.

Submission:

Labcorp Genetics (formerly Invitae), Labcorp
Classification: Uncertain significance for Niemann-Pick disease, type C1. Last evaluated: 2022-06-10. Review status: criteria provided, single submitter. Criteria: Invitae Variant Classification Sherloc (09022015). Collection method: clinical testing. Allele origin: germline.
Comment: This sequence change replaces isoleucine, which is neutral and non-polar, with valine, which is neutral and non-polar, at codon 658 of the NPC1 protein (p.Ile658Val). This variant is present in population databases (no rsID available, gnomAD 0.1%). This variant has not been reported in the literature in individuals affected with NPC1-related conditions. Advanced modeling of protein sequence and biophysical properties (such as structural, functional, and spatial information, amino acid conservation, physicochemical variation, residue mobility, and thermodynamic stability) performed at Invitae indicates that this missense variant is not expected to disrupt NPC1 protein function. In summary, the available evidence is currently insufficient to determine the role of this variant in disease. Therefore, it has been classified as a Variant of Uncertain Significance.

NM_000271.5(NPC1):c.1972A>G (p.Ile658Val)

Gene: NPC1 (NPC intracellular cholesterol transporter 1; minus strand). Cytogenetic location: 18q11.2.
Variant type: single nucleotide variant.
Coding change: c.1972A>G on transcript NM_000271.5 (MANE Select); coding-DNA position 1972, A replaced by G.
Protein change: p.Ile658Val; replaces isoleucine 658 with valine.
Molecular consequence: missense variant.
Genome position (GRCh38, 1-based): chr18:23,544,502, T>C on the plus strand (A>G on the coding strand, the complement: NPC1 is on the minus strand). VCF-style: chr18-23544502-T-C. GRCh37 (hg19) VCF-style: chr18-21124466-T-C.
Other names: short protein forms I658V.
Identifiers: ClinVar variation 2165768 (VCV002165768.1), dbSNP rs933308601, ClinGen allele CA297059682.
Genomic context (GRCh38, chr18:23,544,502, plus strand): 5'-TGTAGCTGAAGACACCCAAGGAGCAAGCCACCGAGCTCAGCACGATCAAGATGCCCGCGA[T>C]GCCTAGTGAGACCTTCGAATCCACCTGAGAGAGGCGACAGACACAATCACCAATTAGTTA-3'
Protein context (NP_000262.2, residues 648-668): LLVDSKVSLG[Ile658Val]AGILIVLSSV